The following is an entry in ClinVar:

ClinVar aggregate classification (germline): Uncertain significance (1 of 4 stars; one submission).

Submission:

GeneDx
Classification: Uncertain significance. Last evaluated: 2023-03-13. Review status: criteria provided, single submitter. Criteria: GeneDx Variant Classification Process June 2021. Collection method: clinical testing. Allele origin: germline. Affected: yes.
Comment: Not observed at significant frequency in large population cohorts (gnomAD); Frameshift variant predicted to result in protein truncation as the last 30 amino acids are replaced with 51 different amino acids, although loss-of-function variants have not been reported downstream of this position in the protein; Has not been previously published as pathogenic or benign to our knowledge

NM_015570.4(AUTS2):c.3686dup (p.Arg1230fs)

Gene: AUTS2 (activator of transcription and developmental regulator AUTS2; plus strand). Cytogenetic location: 7q11.22.
Variant type: Duplication.
Coding change: c.3686dup on transcript NM_015570.4 (MANE Select); coding-DNA position 3686, one base duplicated (G; older notation c.3686dupG).
Protein change: p.Arg1230fs; shifts the reading frame from arginine 1230.
Molecular consequence: frameshift variant.
Genome position (GRCh38, 1-based): chr7:70,790,902, G duplicated; the last of 6 consecutive G bases (chr7:70,790,897-70,790,902); duplicating any one gives the same sequence. VCF-style (leftmost placement, unchanged base first): chr7-70790896-T-TG. GRCh37 (hg19) VCF-style: chr7-70255882-T-TG.
Other names: c.3614dup, p.Arg1206fs (NM_001127231.3); short protein forms R1206fs, R1230fs.
Identifiers: ClinVar variation 2580032 (VCV002580032.1), dbSNP rs1287439714, ClinGen allele CA645544524.